The following is an entry in ClinVar:

ClinVar aggregate classification (germline): Uncertain significance (1 of 4 stars; one submission).

Submission:

CeGaT Center for Human Genetics Tuebingen
Classification: Uncertain significance. Last evaluated: 2025-06-01. Review status: criteria provided, single submitter. Criteria: CeGaT Center For Human Genetics Tuebingen Variant Classification Criteria Version 2. Collection method: clinical testing. Allele origin: germline. Affected: yes. Observed: 1 variant allele.
Comment: ATRX: PM2, PP2

NM_000489.6(ATRX):c.886A>G (p.Lys296Glu)

Gene: ATRX (ATRX chromatin remodeler; minus strand). Cytogenetic location: Xq21.1.
Variant type: single nucleotide variant.
Coding change: c.886A>G on transcript NM_000489.6 (MANE Select); coding-DNA position 886, A replaced by G.
Protein change: p.Lys296Glu; replaces lysine 296 with glutamic acid.
Molecular consequence: missense variant.
Genome position (GRCh38, 1-based): chrX:77,684,370, T>C on the plus strand (A>G on the coding strand, the complement: ATRX is on the minus strand). VCF-style: chrX-77684370-T-C. GRCh37 (hg19) VCF-style: chrX-76939862-T-C.
Other names: c.772A>G, p.Lys258Glu (NM_138270.5); short protein forms K258E, K296E.
Identifiers: ClinVar variation 4085212 (VCV004085212.8).